The following is an entry in ClinVar:

ClinVar aggregate classification (germline): Uncertain significance (1 of 4 stars; one submission).

Conditions:
Hereditary cancer-predisposing syndrome. Also called: Neoplastic Syndromes, Hereditary; Tumor predisposition; Hereditary Cancer Syndrome; Hereditary neoplastic syndrome. Identifiers: Orphanet 140162, MedGen C0027672, MeSH D009386, MONDO:0015356.

Submission:

Ambry Genetics
Classification: Uncertain significance for Hereditary cancer-predisposing syndrome. Last evaluated: 2026-04-10. Review status: criteria provided, single submitter. Criteria: Ambry Variant Classification Scheme 2023. Collection method: clinical testing. Allele origin: germline.
Comment: The p.V234G variant (also known as c.701T>G), located in coding exon 9 of the BAP1 gene, results from a T to G substitution at nucleotide position 701. The valine at codon 234 is replaced by glycine, an amino acid with dissimilar properties. This amino acid position is conserved. In addition, this alteration is predicted to be deleterious by in silico analysis. Based on the available evidence, the clinical significance of this variant remains unclear.

NM_004656.4(BAP1):c.701T>G (p.Val234Gly)

Gene: BAP1 (BRCA1 associated deubiquitinase 1; minus strand). Cytogenetic location: 3p21.1.
Variant type: single nucleotide variant.
Coding change: c.701T>G on transcript NM_004656.4 (MANE Select); coding-DNA position 701, T replaced by G.
Protein change: p.Val234Gly; replaces valine 234 with glycine.
Molecular consequence: missense variant. On other transcripts: intron variant (1).
Genome position (GRCh38, 1-based): chr3:52,406,335, A>C on the plus strand (T>G on the coding strand, the complement: BAP1 is on the minus strand). VCF-style: chr3-52406335-A-C. GRCh37 (hg19) VCF-style: chr3-52440351-A-C.
Other names: c.660-13T>G (NM_001410772.1); short protein forms V234G.
Identifiers: ClinVar variation 4867352 (VCV004867352.1).